The following is an entry in ClinVar:

ClinVar aggregate classification (germline): Likely benign (0 of 4 stars; one submission).

Conditions:
DMBT1-related disorder. Also called: DMBT1-related condition.

Allele frequency attached by ClinVar (database versions not stated): ExAC 0.00025; 1000 Genomes Project 30x 0.00156; 1000 Genomes Project 0.00200.

Submission:

PreventionGenetics, part of Exact Sciences
Classification: Likely benign for DMBT1-related condition. Last evaluated: 2019-03-14. Review status: no assertion criteria provided. Collection method: clinical testing. Allele origin: germline.
Comment: This variant is classified as likely benign based on ACMG/AMP sequence variant interpretation guidelines (Richards et al. 2015 PMID: 25741868, with internal and published modifications).

NM_001377530.1(DMBT1):c.2415C>T (p.His805=)

Gene: DMBT1 (deleted in malignant brain tumors 1; plus strand). Cytogenetic location: 10q26.13.
Variant type: single nucleotide variant.
Coding change: c.2415C>T on transcript NM_001377530.1 (MANE Select); coding-DNA position 2415, C replaced by T.
Protein change: p.His805=; no amino-acid change (histidine 805 retained).
Molecular consequence: synonymous variant. On other transcripts: intron variant (1).
Genome position (GRCh38, 1-based): chr10:122,592,510, C>T. VCF-style: chr10-122592510-C-T. GRCh37 (hg19) VCF-style: chr10-124352026-C-T.
Other names: c.2415C>T, p.His805= (NM_001320644.2, NM_007329.3); c.2385C>T, p.His795= (NM_017579.3); c.1421-5464C>T (NM_004406.3).
Identifiers: ClinVar variation 3045655 (VCV003045655.2), dbSNP rs572119448, ClinGen allele CA5727163.
Genomic context (GRCh38, chr10:122,592,510, plus strand): 5'-TGCCCGGTTTGGCCAGGGCTCAGGACCCATTGTTCTGGATGATGTGCGCTGCTCAGGACA[C>T]GAGTCCTACCTGTGGAGCTGCCCCCACAATGGCTGGCTCTCCCACAACTGTGGCCATCAT-3'
Protein context (NP_001364459.1, residues 795-815): IVLDDVRCSG[His805=]ESYLWSCPHN